The following is an entry in ClinVar:

ClinVar aggregate classification (germline): Benign/Likely benign. Review status: criteria provided, multiple submitters, no conflicts (2 of 4 stars). 12 submissions from 12 submitters: Benign (6); Likely benign (4). 2 of the submissions do not count toward it. Last evaluated 2026-09-01.

Conditions:
Myofibromatosis, infantile, 2. Identifiers: Orphanet 2591, MedGen C3809084, MONDO:0014122, OMIM 615293.
Lateral meningocele syndrome (LMNS). Also called: NOTCH3-Related Lateral Meningocele Syndrome. Identifiers: Orphanet 2789, MedGen C1851710, MONDO:0007537, OMIM 130720.
Cerebral arteriopathy, autosomal dominant, with subcortical infarcts and leukoencephalopathy, type 1 (CADASIL1). Also called: CASIL; Cerebral arteriopathy with subcortical infarcts and leukoencephalopathy 1; CADASIL 1; DEMENTIA, HEREDITARY MULTIINFARCT TYPE. Identifiers: Orphanet 136, MedGen C4551768, MONDO:0000914, OMIM 125310.

Allele frequency attached by ClinVar (database versions not stated): ESP Exome Variant Server 0.00141; gnomAD 0.00217 and 0.00248; TOPMed 0.00346; 1000 Genomes Project 30x 0.00547; 1000 Genomes Project 0.00579.
gnomAD v4.1: 2,490 of 1,585,906 alleles (0.16%); highest among the groups gnomAD compares: Admixed American, 1.4%; 20 homozygotes.

Submissions (12):

CeGaT Center for Human Genetics Tuebingen
Classification: Benign. Last evaluated: 2026-09-01. Review status: criteria provided, single submitter. Criteria: CeGaT Center For Human Genetics Tuebingen Variant Classification Criteria Version 2. Collection method: clinical testing. Allele origin: germline. Affected: yes. Observed: 11 variant alleles.
Comment: NOTCH3: BS1, BS2

Labcorp Genetics (formerly Invitae), Labcorp
Classification: Benign. Last evaluated: 2026-01-18. Review status: criteria provided, single submitter. Criteria: Invitae Variant Classification Sherloc (09022015). Collection method: clinical testing. Allele origin: germline.

Mayo Clinic Laboratories, Mayo Clinic
Classification: Benign. Last evaluated: 2025-07-08. Review status: criteria provided, single submitter. Criteria: ACMG Guidelines, 2015. Collection method: clinical testing. Allele origin: germline. Observed: 19 variant alleles.
Comment: BA1, BS2

ARUP Laboratories, Molecular Genetics and Genomics, ARUP Laboratories
Classification: Benign. Last evaluated: 2025-05-26. Review status: criteria provided, single submitter. Criteria: ARUP Molecular Germline Variant Investigation Process 2024. Collection method: clinical testing. Allele origin: germline.

Fulgent Genetics
Classification: Likely benign for Cerebral arteriopathy, autosomal dominant, with subcortical infarcts and leukoencephalopathy, type 1; Lateral meningocele syndrome; Myofibromatosis, infantile, 2. Last evaluated: 2022-04-19. Review status: criteria provided, single submitter. Criteria: ACMG Guidelines, 2015. Collection method: clinical testing. Allele origin: unknown.

GeneDx
Classification: Benign. Last evaluated: 2021-05-25. Review status: criteria provided, single submitter. Criteria: GeneDx Variant Classification Process June 2021. Collection method: clinical testing. Allele origin: germline. Affected: yes.
Comment: This variant is associated with the following publications: (PMID: 30054184, 22006983)

Mendelics
Classification: Benign for Cerebral arteriopathy, autosomal dominant, with subcortical infarcts and leukoencephalopathy, type 1. Last evaluated: 2019-05-28. Review status: criteria provided, single submitter. Criteria: Mendelics Assertion Criteria 2017. Collection method: clinical testing. Allele origin: unknown.

Illumina Laboratory Services, Illumina
Classification: Likely benign for Cerebral arteriopathy, autosomal dominant, with subcortical infarcts and leukoencephalopathy, type 1. Last evaluated: 2017-04-27. Review status: criteria provided, single submitter. Criteria: ICSL Variant Classification Criteria 13 December 2019. Collection method: clinical testing. Allele origin: germline.
Comment: This variant was observed as part of a predisposition screen in an ostensibly healthy population. A literature search was performed for the gene, cDNA change, and amino acid change (where applicable). Publications were found based on this search. The evidence from the literature, in combination with allele frequency data from public databases where available, was sufficient to determine this variant is unlikely to cause disease. Therefore, this variant is classified as likely benign.

Breakthrough Genomics
Classification: Likely benign. Review status: criteria provided, single submitter. Criteria: ACMG Guidelines, 2015. Collection method: not provided. Allele origin: germline. Inheritance: Autosomal dominant inheritance. Affected: yes.

PreventionGenetics, part of Exact Sciences
Classification: Likely benign. Review status: criteria provided, single submitter. Criteria: ACMG Guidelines, 2015. Collection method: clinical testing. Allele origin: germline.

Genome Diagnostics Laboratory, Amsterdam University Medical Center
Classification: Benign. Review status: no assertion criteria provided. Collection method: clinical testing. Allele origin: germline. Affected: yes. Study: VKGL Data-share Consensus. Not counted in ClinVar's aggregate classification.

Laboratory of Diagnostic Genome Analysis, Leiden University Medical Center (LUMC)
Classification: Likely benign. Review status: no assertion criteria provided. Collection method: clinical testing. Allele origin: germline. Affected: yes. Study: VKGL Data-share Consensus. Not counted in ClinVar's aggregate classification.

Literature cited by the submitters: PubMed 22006983 (cited by Illumina Laboratory Services, Illumina).

NM_000435.3(NOTCH3):c.4552C>A (p.Leu1518Met)

Gene: NOTCH3 (notch receptor 3; minus strand). Cytogenetic location: 19p13.12.
Variant type: single nucleotide variant.
Coding change: c.4552C>A on transcript NM_000435.3 (MANE Select); coding-DNA position 4552, C replaced by A.
Protein change: p.Leu1518Met; replaces leucine 1518 with methionine.
Molecular consequence: missense variant.
Genome position (GRCh38, 1-based): chr19:15,174,252, G>T on the plus strand (C>A on the coding strand, the complement: NOTCH3 is on the minus strand). VCF-style: chr19-15174252-G-T. GRCh37 (hg19) VCF-style: chr19-15285063-G-T.
Other names: p.Leu1518Met; short protein forms L1518M.
Identifiers: ClinVar variation 256137 (VCV000256137.58), dbSNP rs141320511, ClinGen allele CA9262900.